The following is an entry in ClinVar:

ClinVar aggregate classification (germline): Conflicting classifications of pathogenicity. Review status: criteria provided, conflicting classifications (1 of 4 stars). 3 submissions from 3 submitters: Uncertain significance (2); Likely benign (1). Last evaluated 2025-12-24.

Conditions:
Hereditary breast ovarian cancer syndrome. Also called: Hereditary breast and ovarian cancer; Hereditary breast and ovarian cancer syndrome; Hereditary breast and ovarian cancer syndrome (HBOC); Hereditary breast and/or ovarian cancer syndrome; Breast and ovarian cancer; BRCA1- and BRCA2-Associated Hereditary Breast and Ovarian Cancer. Identifiers: Orphanet 145, MedGen C0677776, MeSH D061325, MONDO:0003582. Disease mechanism: loss of function.
Hereditary cancer-predisposing syndrome. Also called: Neoplastic Syndromes, Hereditary; Tumor predisposition; Hereditary neoplastic syndrome; Hereditary Cancer Syndrome. Identifiers: Orphanet 140162, MedGen C0027672, MeSH D009386, MONDO:0015356.

Submissions (3):

Labcorp Genetics (formerly Invitae), Labcorp
Classification: Uncertain significance for Hereditary breast ovarian cancer syndrome. Last evaluated: 2025-12-24. Review status: criteria provided, single submitter. Criteria: Invitae Variant Classification Sherloc (09022015). Collection method: clinical testing. Allele origin: germline.
Comment: This sequence change replaces glycine, which is neutral and non-polar, with arginine, which is basic and polar, at codon 323 of the BRCA1 protein (p.Gly323Arg). This variant is not present in population databases (gnomAD no frequency). This variant has not been reported in the literature in individuals affected with BRCA1-related conditions. ClinVar contains an entry for this variant (Variation ID: 643434). Invitae Evidence Modeling of protein sequence and biophysical properties (such as structural, functional, and spatial information, amino acid conservation, physicochemical variation, residue mobility, and thermodynamic stability) indicates that this missense variant is not expected to disrupt BRCA1 protein function with a negative predictive value of 80%. In summary, the available evidence is currently insufficient to determine the role of this variant in disease. Therefore, it has been classified as a Variant of Uncertain Significance.

Ambry Genetics
Classification: Uncertain significance for Hereditary cancer-predisposing syndrome. Last evaluated: 2023-09-11. Review status: criteria provided, single submitter. Criteria: Ambry Variant Classification Scheme 2023. Collection method: clinical testing. Allele origin: germline.
Comment: The p.G323R variant (also known as c.967G>A), located in coding exon 9 of the BRCA1 gene, results from a G to A substitution at nucleotide position 967. The glycine at codon 323 is replaced by arginine, an amino acid with dissimilar properties. This amino acid position is poorly conserved in available vertebrate species. In addition, the in silico prediction for this alteration is inconclusive. Since supporting evidence is limited at this time, the clinical significance of this alteration remains unclear.

University of Washington Department of Laboratory Medicine, University of Washington
Classification: Likely benign for Hereditary cancer-predisposing syndrome. Last evaluated: 2023-03-23. Review status: criteria provided, single submitter. Criteria: Dines et al. (Genet Med. 2020). Collection method: curation. Allele origin: germline.
Comment: Missense variant in a coldspot region where missense variants are very unlikely to be pathogenic (PMID:31911673).

BRCA1 coldspot (exon 11 using historical exon numbering). Reclassification based on statistical prior probability

NM_007294.4(BRCA1):c.967G>A (p.Gly323Arg)

Gene: BRCA1 (BRCA1 DNA repair associated; minus strand). Cytogenetic location: 17q21.31.
Variant type: single nucleotide variant.
Coding change: c.967G>A on transcript NM_007294.4 (MANE Select); coding-DNA position 967, G replaced by A.
Protein change: p.Gly323Arg; replaces glycine 323 with arginine.
Molecular consequence: missense variant. On other transcripts: intron variant (137).
Genome position (GRCh38, 1-based): chr17:43,094,564, C>T on the plus strand (G>A on the coding strand, the complement: BRCA1 is on the minus strand). VCF-style: chr17-43094564-C-T. GRCh37 (hg19) VCF-style: chr17-41246581-C-T.
Other names: c.754G>A, p.Gly252Arg (NM_001407571.1, NM_001407853.1, NM_001407894.1 and 9 more transcripts); c.967G>A, p.Gly323Arg (NM_001407581.1, NM_001407582.1, NM_001407583.1 and 30 more transcripts); c.964G>A, p.Gly322Arg (NM_001407587.1, NM_001407590.1, NM_001407591.1 and 22 more transcripts); c.958G>A, p.Gly320Arg (NM_001407646.1, NM_001407647.1); c.844G>A, p.Gly282Arg (NM_001407648.1, NM_001407664.1, NM_001407665.1 and 19 more transcripts); c.841G>A, p.Gly281Arg (NM_001407649.1, NM_001407670.1, NM_001407671.1 and 11 more transcripts); c.889G>A, p.Gly297Arg (NM_001407653.1, NM_001407654.1, NM_001407655.1 and 4 more transcripts); c.886G>A, p.Gly296Arg (NM_001407659.1, NM_001407660.1, NM_001407661.1 and 1 more transcripts); and 40 more; short protein forms G276R, G323R, G195R, G212R, G253R, G275R, G155R, G196R.
Identifiers: ClinVar variation 643434 (VCV000643434.14), dbSNP rs1597878824, ClinGen allele CA10600131.